The following is an entry in ClinVar:

ClinVar aggregate classification (germline): Uncertain significance (1 of 4 stars; one submission).

Conditions:
Oto-palato-digital syndrome, type II (OPD2). Also called: FACIOPALATOOSSEOUS SYNDROME; OPD II SYNDROME; Otopalatodigital Syndrome Type 2 (FLNA-OPD2); Otopalatodigital Syndrome, Type II. Identifiers: Orphanet 669, Orphanet 90652, MedGen C1844696, MONDO:0010571, OMIM 304120.
Melnick-Needles syndrome (MNS). Also called: MELNICK-NEEDLES OSTEODYSPLASTY; OSTEODYSPLASTY OF MELNICK AND NEEDLES; Melnick-Needles Syndrome (FLNA-MNS). Identifiers: Orphanet 2484, MedGen C0025237, MONDO:0010650, OMIM 309350.
Frontometaphyseal dysplasia (FMD1). Identifiers: Orphanet 1826, MedGen C0265293, MONDO:0015942.
Heterotopia, periventricular, X-linked dominant (PVNH1). Also called: PERIVENTRICULAR NODULAR HETEROTOPIA 1; X-linked periventricular heterotopia; PERIVENTRICULAR NODULAR HETEROTOPIA 4; HETEROTOPIA, PERIVENTRICULAR, 1. Identifiers: Orphanet 2149, Orphanet 82004, MedGen C1848213, MONDO:0010233, OMIM 300049.

Submission:

Labcorp Genetics (formerly Invitae), Labcorp
Classification: Uncertain significance for Oto-palato-digital syndrome, type II; Heterotopia, periventricular, X-linked dominant; Frontometaphyseal dysplasia; Melnick-Needles syndrome. Last evaluated: 2026-01-19. Review status: criteria provided, single submitter. Criteria: Invitae Variant Classification Sherloc (09022015). Collection method: clinical testing. Allele origin: germline.
Comment: This sequence change falls in intron 19 of the FLNA gene. It does not directly change the encoded amino acid sequence of the FLNA protein. It affects a nucleotide within the consensus splice site. This variant is not present in population databases (gnomAD no frequency). This variant has not been reported in the literature in individuals affected with FLNA-related conditions. ClinVar contains an entry for this variant (Variation ID: 2018601). Variants that disrupt the consensus splice site are a relatively common cause of aberrant splicing (PMID: 17576681, 9536098). Algorithms developed to predict the effect of sequence changes on RNA splicing suggest that this variant may disrupt the consensus splice site. In summary, the available evidence is currently insufficient to determine the role of this variant in disease. Therefore, it has been classified as a Variant of Uncertain Significance.

Literature cited by the submitters: PubMed 17576681; PubMed 9536098.

NM_001110556.2(FLNA):c.2826+3A>G

Gene: FLNA (filamin A; minus strand). Cytogenetic location: Xq28.
Variant type: single nucleotide variant.
Coding change: c.2826+3A>G on transcript NM_001110556.2 (MANE Select); 3 bases into the intron after coding-DNA position 2826, A replaced by G.
Molecular consequence: intron variant.
Genome position (GRCh38, 1-based): chrX:154,361,976, T>C on the plus strand (A>G on the coding strand, the complement: FLNA is on the minus strand). VCF-style: chrX-154361976-T-C. GRCh37 (hg19) VCF-style: chrX-153590344-T-C.
Other names: c.2826+3A>G (NM_001456.4).
Identifiers: ClinVar variation 2018601 (VCV002018601.4), dbSNP rs2522746695, ClinGen allele CA2580101746.